The following is an entry in ClinVar:

ClinVar aggregate classification (germline): Uncertain significance. Review status: criteria provided, single submitter (1 of 4 stars). 2 submissions from 2 submitters: Uncertain significance (1). 1 of the submissions does not count toward it. Last evaluated 2023-02-14.

Conditions:
Autosomal recessive limb-girdle muscular dystrophy type 2I. Also called: MUSCULAR DYSTROPHY-DYSTROGLYCANOPATHY (LIMB-GIRDLE), TYPE C, 5; MUSCULAR DYSTROPHY-DYSTROGLYCANOPATHY, LIMB-GIRDLE, FRKP-RELATED; MUSCULAR DYSTROPHY, LIMB-GIRDLE, TYPE 2I. Identifiers: Orphanet 34515, MedGen C1846672, MONDO:0011787, OMIM 607155.
Walker-Warburg congenital muscular dystrophy. Also called: Muscular dystrophy-dystroglycanopathy, type A; Walker-Warburg syndrome. Identifiers: Orphanet 899, MedGen C0265221, MONDO:0000171.

Allele frequency attached by ClinVar (database versions not stated): gnomAD exomes below 0.00001.

Submissions (2):

Labcorp Genetics (formerly Invitae), Labcorp
Classification: Uncertain significance for Walker-Warburg congenital muscular dystrophy. Last evaluated: 2023-02-14. Review status: criteria provided, single submitter. Criteria: Invitae Variant Classification Sherloc (09022015). Collection method: clinical testing. Allele origin: germline.
Comment: In summary, the available evidence is currently insufficient to determine the role of this variant in disease. Therefore, it has been classified as a Variant of Uncertain Significance. Advanced modeling of protein sequence and biophysical properties (such as structural, functional, and spatial information, amino acid conservation, physicochemical variation, residue mobility, and thermodynamic stability) performed at Invitae indicates that this missense variant is expected to disrupt FKRP protein function. This variant has not been reported in the literature in individuals affected with FKRP-related conditions. This variant is not present in population databases (gnomAD no frequency). This sequence change replaces proline, which is neutral and non-polar, with leucine, which is neutral and non-polar, at codon 213 of the FKRP protein (p.Pro213Leu).

Institute of Human Genetics, University of Wuerzburg
Classification: Uncertain significance for Autosomal recessive limb-girdle muscular dystrophy type 2I. Review status: no assertion criteria provided. Collection method: clinical testing. Allele origin: unknown. Affected: yes. Observed: 1 variant allele. Not counted in ClinVar's aggregate classification.

NM_024301.5(FKRP):c.638C>T (p.Pro213Leu)

Gene: FKRP (fukutin related protein; plus strand). Cytogenetic location: 19q13.32.
Variant type: single nucleotide variant.
Coding change: c.638C>T on transcript NM_024301.5 (MANE Select); coding-DNA position 638, C replaced by T.
Protein change: p.Pro213Leu; replaces proline 213 with leucine.
Molecular consequence: missense variant.
Genome position (GRCh38, 1-based): chr19:46,756,088, C>T. VCF-style: chr19-46756088-C-T. GRCh37 (hg19) VCF-style: chr19-47259345-C-T.
Other names: c.638C>T, p.Pro213Leu (NM_001039885.3); short protein forms P213L.
Identifiers: ClinVar variation 2808921 (VCV002808921.4), dbSNP rs2513990300, ClinGen allele CA406495716.